The following is an entry in ClinVar:

NM_002528.7(NTHL1):c.747G>C (p.Lys249Asn)

Gene: NTHL1 (nth like DNA glycosylase 1; minus strand). Cytogenetic location: 16p13.3.
Variant type: single nucleotide variant.
Coding change: c.747G>C on transcript NM_002528.7 (MANE Select); coding-DNA position 747, G replaced by C.
Protein change: p.Lys249Asn; replaces lysine 249 with asparagine.
Molecular consequence: missense variant.
Genome position (GRCh38, 1-based): chr16:2,040,177, C>G on the plus strand (G>C on the coding strand, the complement: NTHL1 is on the minus strand). VCF-style: chr16-2040177-C-G. GRCh37 (hg19) VCF-style: chr16-2090178-C-G.
Other names: c.747G>C, p.Lys249Asn (LRG_1366t1); c.576G>C, p.Lys192Asn (NM_001318193.2); c.417G>C, p.Lys139Asn (NM_001318194.2); short protein forms K139N, K192N, K249N.
Identifiers: ClinVar variation 646049 (VCV000646049.10), dbSNP rs1411465858, ClinGen allele CA394288944.
Genomic context (GRCh38, chr16:2,040,177, plus strand): 5'-CCCCACATACTCATACCTAGGCAGCCACTCCTCCAGGGCGGCGCGGGTCTCCTCTGGGGA[C>G]TTGGTTGCCTTCTTGGTCCACCTCAGCCTGTTGGCGATTCTGTGCACATGCGTGTCCACT-3'
Protein context (NP_002519.2, residues 239-259): NRLRWTKKAT[Lys249Asn]SPEETRAALE

ClinVar aggregate classification (germline): Uncertain significance (1 of 4 stars; one submission).

Allele frequency attached by ClinVar (database versions not stated): gnomAD exomes below 0.00001.
gnomAD v4.1: 2 of 1,614,026 alleles (0.00012%); highest among the groups gnomAD compares: Non-Finnish European, 0.00017%; no homozygotes.

Submission:

Labcorp Genetics (formerly Invitae), Labcorp
Classification: Uncertain significance. Last evaluated: 2022-10-27. Review status: criteria provided, single submitter. Criteria: Invitae Variant Classification Sherloc (09022015). Collection method: clinical testing. Allele origin: germline.
Comment: This sequence change replaces lysine, which is basic and polar, with asparagine, which is neutral and polar, at codon 257 of the NTHL1 protein (p.Lys257Asn). In summary, the available evidence is currently insufficient to determine the role of this variant in disease. Therefore, it has been classified as a Variant of Uncertain Significance. Algorithms developed to predict the effect of missense changes on protein structure and function are either unavailable or do not agree on the potential impact of this missense change (SIFT: "Not Available"; PolyPhen-2: "Benign"; Align-GVGD: "Not Available"). ClinVar contains an entry for this variant (Variation ID: 646049). This variant has not been reported in the literature in individuals affected with NTHL1-related conditions. This variant is not present in population databases (gnomAD no frequency).